The following is an entry in ClinVar:

NM_000264.5(PTCH1):c.1504-2A>T

Gene: PTCH1 (patched 1; minus strand). Cytogenetic location: 9q22.32.
Variant type: single nucleotide variant.
Coding change: c.1504-2A>T on transcript NM_000264.5 (MANE Select); the canonical splice acceptor site of the intron before coding-DNA position 1504, A replaced by T.
Molecular consequence: splice acceptor variant.
Genome position (GRCh38, 1-based): chr9:95,476,859, T>A on the plus strand (A>T on the coding strand, the complement: PTCH1 is on the minus strand). VCF-style: chr9-95476859-T-A. GRCh37 (hg19) VCF-style: chr9-98239141-T-A.
Other names: NC_000009.11:g.98239141T>A; c.1501-2A>T (NM_001083603.3); c.1306-2A>T (NM_001083602.3); c.1348-2A>T (NM_001354918.2); c.1051-2A>T (NM_001083605.3, NM_001083604.3, NM_001083606.3 and 1 more transcripts).
Identifiers: ClinVar variation 4146873 (VCV004146873.2).

ClinVar aggregate classification (germline): Pathogenic (1 of 4 stars; one submission).

Conditions:
Hereditary cancer-predisposing syndrome. Also called: Hereditary neoplastic syndrome; Neoplastic Syndromes, Hereditary; Tumor predisposition; Hereditary Cancer Syndrome. Identifiers: Orphanet 140162, MedGen C0027672, MeSH D009386, MONDO:0015356.

Submissions (2):

Ambry Genetics
Classification: Pathogenic for Hereditary cancer-predisposing syndrome. Last evaluated: 2025-07-29. Review status: criteria provided, single submitter. Criteria: Ambry Variant Classification Scheme 2023. Collection method: clinical testing. Allele origin: germline.
Comment: The c.1504-2A>T intronic pathogenic mutation results from an A to T substitution two nucleotides upstream from coding exon 11 in the PTCH1 gene. Alterations that disrupt the canonical splice site are expected to result in aberrant splicing. In silico splice site analysis predicts that this alteration will weaken the native splice acceptor site. A resulting transcript is predicted to be in-frame and is not expected to trigger nonsense-mediated mRNAdecay; although, direct evidence is unavailable. However, the region predicted to be impacted is critical for protein function (Ambry internal data).This variant was reported in an at least one individual with features consistent with nevoid basal cell carcinoma syndrome (Ambry internal data). This variant is considered to be rare based on population cohorts in the Genome Aggregation Database (gnomAD). This nucleotide position is highly conserved in available vertebrate species. Based on the supporting evidence, this variant is interpreted as a disease-causing mutation.

Dr. Peter K. Rogan Lab, Western University
No classification provided (evidence only). Condition: Ovarian serous cystadenocarcinoma. Review status: no classification provided. Collection method: in vitro. Allele origin: not applicable. Functional consequence: retained intron. Not counted in ClinVar's aggregate classification.